The following is an entry in ClinVar:

NM_006922.4(SCN3A):c.2927T>C (p.Leu976Pro)

Gene: SCN3A (sodium voltage-gated channel alpha subunit 3; minus strand). Cytogenetic location: 2q24.3.
Variant type: single nucleotide variant.
Coding change: c.2927T>C on transcript NM_006922.4 (MANE Select); coding-DNA position 2927, T replaced by C.
Protein change: p.Leu976Pro; replaces leucine 976 with proline.
Molecular consequence: missense variant.
Genome position (GRCh38, 1-based): chr2:165,128,097, A>G on the plus strand (T>C on the coding strand, the complement: SCN3A is on the minus strand). VCF-style: chr2-165128097-A-G. GRCh37 (hg19) VCF-style: chr2-165984607-A-G.
Other names: c.2780T>C, p.Leu927Pro (NM_001081676.2, NM_001081677.2); short protein forms L927P, L976P.
Identifiers: ClinVar variation 3364434 (VCV003364434.1).

ClinVar aggregate classification (germline): Uncertain significance (1 of 4 stars; one submission).

Submission:

GeneDx
Classification: Uncertain significance. Last evaluated: 2023-11-15. Review status: criteria provided, single submitter. Criteria: GeneDx Variant Classification Process June 2021. Collection method: clinical testing. Allele origin: germline. Affected: yes.
Comment: Not observed at significant frequency in large population cohorts (gnomAD); In silico analysis supports that this missense variant has a deleterious effect on protein structure/function; Has not been previously published as pathogenic or benign to our knowledge